The following is an entry in ClinVar:

NM_001830.4(CLCN4):c.1063G>A (p.Ala355Thr)

Gene: CLCN4 (Cl-/H+ antiporter 4; plus strand). Cytogenetic location: Xp22.2.
Variant type: single nucleotide variant.
Coding change: c.1063G>A on transcript NM_001830.4 (MANE Select); coding-DNA position 1063, G replaced by A.
Protein change: p.Ala355Thr; replaces alanine 355 with threonine.
Molecular consequence: missense variant.
Genome position (GRCh38, 1-based): chrX:10,208,264, G>A. VCF-style: chrX-10208264-G-A. GRCh37 (hg19) VCF-style: chrX-10176304-G-A.
Other names: c.781G>A, p.Ala261Thr (NM_001256944.2); short protein forms A261T, A355T.
Identifiers: ClinVar variation 1167544 (VCV001167544.29), dbSNP rs765028935, ClinGen allele CA10347173.

ClinVar aggregate classification (germline): Benign/Likely benign. Review status: criteria provided, multiple submitters, no conflicts (2 of 4 stars). 3 submissions from 3 submitters: Benign (1); Likely benign (2). Last evaluated 2025-04-28.

Allele frequency attached by ClinVar (database versions not stated): TOPMed below 0.00001; gnomAD 0.00001; gnomAD exomes 0.00007; ExAC 0.00009.
gnomAD v4.1: 30 of 1,208,768 alleles (0.0025%); highest among the groups gnomAD compares: South Asian, 0.041%; no homozygotes.

Submissions (3):

Labcorp Genetics (formerly Invitae), Labcorp
Classification: Benign. Last evaluated: 2025-04-28. Review status: criteria provided, single submitter. Criteria: Invitae Variant Classification Sherloc (09022015). Collection method: clinical testing. Allele origin: germline.

CeGaT Center for Human Genetics Tuebingen
Classification: Likely benign. Last evaluated: 2024-05-01. Review status: criteria provided, single submitter. Criteria: CeGaT Center For Human Genetics Tuebingen Variant Classification Criteria Version 2. Collection method: clinical testing. Allele origin: germline. Affected: yes. Observed: 1 variant allele.
Comment: CLCN4: PP2, PP3, BS2

Blueprint Genetics
Classification: Likely benign. Last evaluated: 2022-11-15. Review status: criteria provided, single submitter. Criteria: ACMG Guidelines, 2015. Collection method: clinical testing. Allele origin: germline.